The following is an entry in ClinVar:

ClinVar aggregate classification (germline): Uncertain significance. Review status: criteria provided, multiple submitters, no conflicts (2 of 4 stars). 2 submissions from 2 submitters: Uncertain significance (2). Last evaluated 2025-09-29.

Conditions:
Inborn genetic diseases. Identifiers: MedGen C0950123, MeSH D030342.

Allele frequency attached by ClinVar (database versions not stated): gnomAD exomes below 0.00001; gnomAD 0.00009; ExAC 0.00002; TOPMed 0.00009; ESP Exome Variant Server 0.00008.
gnomAD v4.1: 21 of 1,614,072 alleles (0.0013%); highest among the groups gnomAD compares: African/African-American, 0.024%; no homozygotes.

Submissions (2):

Labcorp Genetics (formerly Invitae), Labcorp
Classification: Uncertain significance. Last evaluated: 2025-09-29. Review status: criteria provided, single submitter. Criteria: Invitae Variant Classification Sherloc (09022015). Collection method: clinical testing. Allele origin: germline.
Comment: This sequence change replaces alanine, which is neutral and non-polar, with threonine, which is neutral and polar, at codon 1160 of the TCF20 protein (p.Ala1160Thr). This variant is present in population databases (rs373813794, gnomAD 0.02%). This variant has not been reported in the literature in individuals affected with TCF20-related conditions. ClinVar contains an entry for this variant (Variation ID: 2764471). An algorithm developed to predict the effect of missense changes on protein structure and function outputs the following: PolyPhen-2: "Benign". The threonine amino acid residue is found in multiple mammalian species, which suggests that this missense change does not adversely affect protein function. In summary, the available evidence is currently insufficient to determine the role of this variant in disease. Therefore, it has been classified as a Variant of Uncertain Significance.

Ambry Genetics
Classification: Uncertain significance for Inborn genetic diseases. Last evaluated: 2024-11-20. Review status: criteria provided, single submitter. Criteria: Ambry Variant Classification Scheme 2023. Collection method: clinical testing. Allele origin: germline.

NM_001378418.1(TCF20):c.3478G>A (p.Ala1160Thr)

Gene: TCF20 (transcription factor 20; minus strand). Cytogenetic location: 22q13.2.
Variant type: single nucleotide variant.
Coding change: c.3478G>A on transcript NM_001378418.1 (MANE Select); coding-DNA position 3478, G replaced by A.
Protein change: p.Ala1160Thr; replaces alanine 1160 with threonine.
Molecular consequence: missense variant.
Genome position (GRCh38, 1-based): chr22:42,211,828, C>T on the plus strand (G>A on the coding strand, the complement: TCF20 is on the minus strand). VCF-style: chr22-42211828-C-T. GRCh37 (hg19) VCF-style: chr22-42607834-C-T.
Other names: c.3478G>A, p.Ala1160Thr (NM_005650.4, NM_181492.3); c.3478G>A (NM_005650.1); short protein forms A1160T.
Identifiers: ClinVar variation 2764471 (VCV002764471.3), dbSNP rs373813794, ClinGen allele CA10266824.
Genomic context (GRCh38, chr22:42,211,828, plus strand): 5'-CATGCTTTAATTCCATGCCCTTGTTAGGCAGACCATCACTAGACATTAGGCAGCGCCCAG[C>T]CTCCTGGGCACTGGGGTCATGGTAAGTCCCCACTGGTGGGCCATACATCATACCATCTTT-3'
Protein context (NP_001365347.1, residues 1150-1170): GTYHDPSAQE[Ala1160Thr]GRCLMSSDGL